The following is an entry in ClinVar:

ClinVar aggregate classification (germline): Uncertain significance (1 of 4 stars; one submission).

Conditions:
Hereditary breast ovarian cancer syndrome. Also called: Hereditary breast and/or ovarian cancer syndrome; BRCA1- and BRCA2-Associated Hereditary Breast and Ovarian Cancer; Hereditary breast and ovarian cancer syndrome; Hereditary breast and ovarian cancer; Hereditary breast and ovarian cancer syndrome (HBOC); Breast and ovarian cancer. Identifiers: Orphanet 145, MedGen C0677776, MeSH D061325, MONDO:0003582. Disease mechanism: loss of function.

Submissions (2):

Labcorp Genetics (formerly Invitae), Labcorp
Classification: Uncertain significance for Hereditary breast ovarian cancer syndrome. Last evaluated: 2025-04-02. Review status: criteria provided, single submitter. Criteria: Invitae Variant Classification Sherloc (09022015). Collection method: clinical testing. Allele origin: germline.
Comment: This sequence change replaces leucine, which is neutral and non-polar, with serine, which is neutral and polar, at codon 87 of the BRCA1 protein (p.Leu87Ser). This variant is not present in population databases (gnomAD no frequency). This variant has not been reported in the literature in individuals affected with BRCA1-related conditions. ClinVar contains an entry for this variant (Variation ID: 865611). Invitae Evidence Modeling incorporating data from in vitro experimental studies (PMID: 30209399) indicates that this missense variant is not expected to disrupt BRCA1 function with a negative predictive value of 95%. Algorithms developed to predict the effect of sequence changes on RNA splicing suggest that this variant may create or strengthen a splice site. In summary, the available evidence is currently insufficient to determine the role of this variant in disease. Therefore, it has been classified as a Variant of Uncertain Significance.

Brotman Baty Institute, University of Washington
No classification provided (evidence only). Condition: Breast-ovarian cancer, familial 1. Review status: no classification provided. Collection method: in vitro. Allele origin: not applicable. Functional consequence: functionally_normal. Not counted in ClinVar's aggregate classification.
ClinVar note: "not provided" was previously submitted as the classification for the variant. However, the classification appeared to be based only on an observation of functional data so it was converted to no classification on 2025-07-30.

Literature cited by the submitters: PubMed 30209399 (cited by Labcorp Genetics (formerly Invitae), Labcorp).

NM_007294.4(BRCA1):c.260T>C (p.Leu87Ser)

Gene: BRCA1 (BRCA1 DNA repair associated; minus strand). Cytogenetic location: 17q21.31.
Variant type: single nucleotide variant.
Coding change: c.260T>C on transcript NM_007294.4 (MANE Select); coding-DNA position 260, T replaced by C.
Protein change: p.Leu87Ser; replaces leucine 87 with serine.
Molecular consequence: missense variant. On other transcripts: non-coding transcript variant (1).
Genome position (GRCh38, 1-based): chr17:43,104,909, A>G on the plus strand (T>C on the coding strand, the complement: BRCA1 is on the minus strand). VCF-style: chr17-43104909-A-G. GRCh37 (hg19) VCF-style: chr17-41256926-A-G.
Other names: c.119T>C, p.Leu40Ser (NM_001408454.1, NM_001408455.1, NM_001408456.1 and 99 more transcripts); c.260T>C, p.Leu87Ser (NM_001408472.1, NM_001408473.1, NM_001408494.1 and 168 more transcripts); c.182T>C, p.Leu61Ser (NM_001408474.1, NM_001408475.1, NM_001408476.1 and 21 more transcripts); c.50T>C, p.Leu17Ser (NM_001408478.1, NM_001408479.1, NM_001408480.1 and 58 more transcripts); c.-122T>C (NM_001408510.1, NM_001408512.1, NM_001407959.1 and 4 more transcripts); c.128T>C, p.Leu43Ser (NM_001408451.1); short protein forms L87S, L40S, L61S, L17S, L43S.
Identifiers: ClinVar variation 865611 (VCV000865611.4), dbSNP rs886040054, ClinGen allele CA10601637.
Genomic context (GRCh38, chr17:43,104,909, plus strand): 5'-TGGGATATTCAACACTTACACTCCAAACCTGTGTCAAGCTGAAAAGCACAAATGATTTTC[A>G]ATAGCTCTTCAACAAGTTGACTAAATCTCGTACTTTCTTGTAGGCTCCTGAAATTAAATT-3'
Protein context (NP_009225.1, residues 77-97): TRFSQLVEEL[Leu87Ser]KIICAFQLDT